The following is an entry in ClinVar:

NM_001170629.2(CHD8):c.4414C>T (p.Arg1472Ter)

Gene: CHD8 (chromodomain helicase DNA binding protein 8; minus strand). Cytogenetic location: 14q11.2.
Variant type: single nucleotide variant.
Coding change: c.4414C>T on transcript NM_001170629.2 (MANE Select); coding-DNA position 4414, C replaced by T.
Protein change: p.Arg1472Ter; replaces arginine 1472 with a stop codon.
Molecular consequence: nonsense.
Genome position (GRCh38, 1-based): chr14:21,400,569, G>A on the plus strand (C>T on the coding strand, the complement: CHD8 is on the minus strand). VCF-style: chr14-21400569-G-A. GRCh37 (hg19) VCF-style: chr14-21868728-G-A.
Other names: c.3577C>T, p.Arg1193Ter (NM_020920.4); short protein forms R1193*, R1472*.
Identifiers: ClinVar variation 419510 (VCV000419510.6), dbSNP rs991738444, ClinGen allele CA16619833.

ClinVar aggregate classification (germline): Pathogenic. Review status: criteria provided, multiple submitters, no conflicts (2 of 4 stars). 3 submissions from 3 submitters: Pathogenic (3). Last evaluated 2023-03-07.

Conditions:
CHD8-related disorder. Also called: CHD8-related condition; CHD8-related disorders.
Inborn genetic diseases. Identifiers: MedGen C0950123, MeSH D030342.

Submissions (3):

PreventionGenetics, part of Exact Sciences
Classification: Pathogenic for CHD8-related condition. Last evaluated: 2023-03-07. Review status: criteria provided, single submitter. Criteria: ACMG Guidelines, 2015. Collection method: clinical testing. Allele origin: germline.
Comment: The CHD8 c.4414C>T variant is predicted to result in premature protein termination (p.Arg1472*). This variant has been reported with de novo occurrence in multiple individuals with Intellectual disability and overgrowth (see for example, Tatton-Brown et al 2017. PubMed ID: 28475857, Table S1; Ostrowski PJ et al 2019. PubMed ID: 31721432). This variant has not been reported in a large population database, indicating it is rare. Nonsense variants in CHD8 are expected to be pathogenic. This variant is interpreted as pathogenic.

Ambry Genetics
Classification: Pathogenic for Inborn genetic diseases. Last evaluated: 2022-08-12. Review status: criteria provided, single submitter. Criteria: Ambry Variant Classification Scheme 2023. Collection method: clinical testing. Allele origin: germline.
Comment: The c.4414C>T (p.R1472*) alteration, located in exon 22 (coding exon 22) of the CHD8 gene, consists of a C to T substitution at nucleotide position 4414. This changes the amino acid from an arginine (R) to a stop codon at amino acid position 1472. This alteration is expected to result in loss of function by premature protein truncation or nonsense-mediated mRNA decay. This variant was not reported in population-based cohorts in the Genome Aggregation Database (gnomAD). This variant has been reported as de novo in individuals with developmental delay, macrocephaly, and other features consistent with CHD8-related neurodevelopmental disorder (Ostrowski, 2019; Sadler, 2021). In addition, this alteration has been reported in the heterozygous state in an individual with intellectual disability and marfanoid habitus (Yamada, 2021). Based on the available evidence, this alteration is classified as pathogenic.

GeneDx
Classification: Pathogenic. Last evaluated: 2019-07-18. Review status: criteria provided, single submitter. Criteria: GeneDx Variant Classification Process June 2021. Collection method: clinical testing. Allele origin: germline. Affected: yes.
Comment: Not observed in large population cohorts (Lek et al., 2016); Nonsense variant predicted to result in protein truncation or nonsense mediated decay in a gene for which loss-of-function is a known mechanism of disease; This variant is associated with the following publications: (PMID: 28475857, 31721432)

Literature cited by the submitters: PubMed 31721432 (cited by Ambry Genetics); PubMed 32951261 (cited by Ambry Genetics); PubMed 33352116 (cited by Ambry Genetics).